The following is an entry in ClinVar:

ClinVar aggregate classification (germline): Uncertain significance. Review status: criteria provided, multiple submitters, no conflicts (2 of 4 stars). 2 submissions from 2 submitters: Uncertain significance (2). Last evaluated 2023-11-14.

Conditions:
Inborn genetic diseases. Identifiers: MedGen C0950123, MeSH D030342.
Pontocerebellar hypoplasia type 1B. Also called: EXOSC3 Pontocerebellar Hypoplasia. Identifiers: Orphanet 2254, MedGen C3553449, MONDO:0013853, OMIM 614678.

Allele frequency attached by ClinVar (database versions not stated): ExAC 0.00001.
gnomAD v4.1: 33 of 1,599,440 alleles (0.0021%); highest among the groups gnomAD compares: Admixed American, 0.022%; no homozygotes.

Submissions (2):

Ambry Genetics
Classification: Uncertain significance for Inborn genetic diseases. Last evaluated: 2023-11-14. Review status: criteria provided, single submitter. Criteria: Ambry Variant Classification Scheme 2023. Collection method: clinical testing. Allele origin: germline.

Labcorp Genetics (formerly Invitae), Labcorp
Classification: Uncertain significance for Pontocerebellar hypoplasia type 1B. Last evaluated: 2022-07-18. Review status: criteria provided, single submitter. Criteria: Invitae Variant Classification Sherloc (09022015). Collection method: clinical testing. Allele origin: germline.
Comment: This sequence change replaces serine, which is neutral and polar, with phenylalanine, which is neutral and non-polar, at codon 6 of the EXOSC3 protein (p.Ser6Phe). This variant is present in population databases (rs749691951, gnomAD 0.006%). This variant has not been reported in the literature in individuals affected with EXOSC3-related conditions. ClinVar contains an entry for this variant (Variation ID: 1418065). Algorithms developed to predict the effect of missense changes on protein structure and function (SIFT, PolyPhen-2, Align-GVGD) all suggest that this variant is likely to be tolerated. In summary, the available evidence is currently insufficient to determine the role of this variant in disease. Therefore, it has been classified as a Variant of Uncertain Significance.

NM_016042.4(EXOSC3):c.17C>T (p.Ser6Phe)

Gene: EXOSC3 (exosome component 3; minus strand). Cytogenetic location: 9p13.2.
Variant type: single nucleotide variant.
Coding change: c.17C>T on transcript NM_016042.4 (MANE Select); coding-DNA position 17, C replaced by T.
Protein change: p.Ser6Phe; replaces serine 6 with phenylalanine.
Molecular consequence: missense variant.
Genome position (GRCh38, 1-based): chr9:37,785,028, G>A on the plus strand (C>T on the coding strand, the complement: EXOSC3 is on the minus strand). VCF-style: chr9-37785028-G-A. GRCh37 (hg19) VCF-style: chr9-37785025-G-A.
Other names: c.17C>T, p.Ser6Phe (NM_001002269.2); c.17C>T (NM_016042.2); short protein forms S6F.
Identifiers: ClinVar variation 1418065 (VCV001418065.4), dbSNP rs749691951, ClinGen allele CA5062878.
Genomic context (GRCh38, chr9:37,785,028, plus strand): 5'-TGACCTAGTACTGTGCGTGCAGCGCGCGCCCTGCTGCCCGCGAGAGATTCAGCCGCGACA[G>A]ACGCAGGTTCGGCCATCGCGGGCTCCACCAAACACCGTTTCCGGTACCCGCCTTCCGCTT-3'
Protein context (NP_057126.2, residues 1-16): MAEPA[Ser6Phe]VAAESLAGSR